The following is an entry in ClinVar:

ClinVar aggregate classification (germline): Uncertain significance (1 of 4 stars; one submission).

gnomAD v4.1: 1 of 1,613,850 alleles (0.000062%); no homozygotes.

Submission:

Labcorp Genetics (formerly Invitae), Labcorp
Classification: Uncertain significance. Last evaluated: 2024-06-11. Review status: criteria provided, single submitter. Criteria: Invitae Variant Classification Sherloc (09022015). Collection method: clinical testing. Allele origin: germline.
Comment: This sequence change replaces leucine, which is neutral and non-polar, with proline, which is neutral and non-polar, at codon 668 of the MSH3 protein (p.Leu668Pro). This variant is not present in population databases (gnomAD no frequency). This variant has not been reported in the literature in individuals affected with MSH3-related conditions. An algorithm developed to predict the effect of missense changes on protein structure and function (PolyPhen-2) suggests that this variant is likely to be disruptive. In summary, the available evidence is currently insufficient to determine the role of this variant in disease. Therefore, it has been classified as a Variant of Uncertain Significance.

NM_002439.5(MSH3):c.2003T>C (p.Leu668Pro)

Gene: MSH3 (mutS homolog 3; plus strand). Cytogenetic location: 5q14.1.
Variant type: single nucleotide variant.
Coding change: c.2003T>C on transcript NM_002439.5 (MANE Select); coding-DNA position 2003, T replaced by C.
Protein change: p.Leu668Pro; replaces leucine 668 with proline.
Molecular consequence: missense variant.
Genome position (GRCh38, 1-based): chr5:80,768,039, T>C. VCF-style: chr5-80768039-T-C. GRCh37 (hg19) VCF-style: chr5-80063858-T-C.
Other names: short protein forms L668P.
Identifiers: ClinVar variation 2908244 (VCV002908244.3), dbSNP rs2546773650, ClinGen allele CA360277716.
Genomic context (GRCh38, chr5:80,768,039, plus strand): 5'-TAAAGTCAGAATTTCAAGCAATAATACCTGCTGTTAATTCCCACATTCAGTCAGACTTGC[T>C]CCGGACCGTTATTTTAGAAATTCCTGAACTCCTCAGTCCAGTGGAGCATTACTTAAAGAT-3'
Protein context (NP_002430.3, residues 658-678): AVNSHIQSDL[Leu668Pro]RTVILEIPEL